The following is an entry in ClinVar:

ClinVar aggregate classification (germline): Benign. Review status: criteria provided, multiple submitters, no conflicts (2 of 4 stars). 2 submissions from 2 submitters: Benign (2). Last evaluated 2018-06-15.

Allele frequency attached by ClinVar (database versions not stated): 1000 Genomes Project 30x 0.30606; 1000 Genomes Project 0.30911; TOPMed 0.35628; gnomAD 0.36190 and 0.36388; gnomAD exomes 0.42169.
gnomAD v4.1: 638,258 of 1,540,034 alleles (41%); highest among the groups gnomAD compares: Non-Finnish European, 45%; 136,334 homozygotes.

Submissions (2):

GeneDx
Classification: Benign. Last evaluated: 2018-06-15. Review status: criteria provided, single submitter. Criteria: GeneDx Variant Classification (06012015). Collection method: clinical testing. Allele origin: germline. Affected: yes.
Comment: This variant is considered likely benign or benign based on one or more of the following criteria: it is a conservative change, it occurs at a poorly conserved position in the protein, it is predicted to be benign by multiple in silico algorithms, and/or has population frequency not consistent with disease.

Breakthrough Genomics
Classification: Benign. Review status: criteria provided, single submitter. Criteria: ACMG Guidelines, 2015. Collection method: not provided. Allele origin: germline. Inheritance: Autosomal dominant inheritance. Affected: yes.

NM_016599.5(MYOZ2):c.376+81G>A

Gene: MYOZ2 (myozenin 2; plus strand). Cytogenetic location: 4q26.
Variant type: single nucleotide variant.
Coding change: c.376+81G>A on transcript NM_016599.5 (MANE Select); 81 bases into the intron after coding-DNA position 376, G replaced by A.
Molecular consequence: intron variant.
Genome position (GRCh38, 1-based): chr4:119,158,232, G>A. VCF-style: chr4-119158232-G-A. GRCh37 (hg19) VCF-style: chr4-120079387-G-A.
Identifiers: ClinVar variation 671142 (VCV000671142.2), dbSNP rs11729978, ClinGen allele CA11866223.